The following is an entry in ClinVar:

NM_001003722.2(GLE1):c.460C>T (p.Gln154Ter)

Gene: GLE1 (GLE1 RNA export mediator; plus strand). Cytogenetic location: 9q34.11.
Variant type: single nucleotide variant.
Coding change: c.460C>T on transcript NM_001003722.2 (MANE Select); coding-DNA position 460, C replaced by T.
Protein change: p.Gln154Ter; replaces glutamine 154 with a stop codon.
Molecular consequence: nonsense.
Genome position (GRCh38, 1-based): chr9:128,522,695, C>T. VCF-style: chr9-128522695-C-T. GRCh37 (hg19) VCF-style: chr9-131284974-C-T.
Other names: c.460C>T, p.Gln154Ter (NM_001411013.1, NM_001499.2); short protein forms Q154*.
Identifiers: ClinVar variation 4814498 (VCV004814498.1).

ClinVar aggregate classification (germline): Likely pathogenic (1 of 4 stars; one submission).

Conditions:
Lethal congenital contractural syndrome Finnish type.

Submission:

Natera, Inc.
Classification: Likely pathogenic for Lethal congenital contractural syndrome Finnish type. Last evaluated: 2025-10-21. Review status: criteria provided, single submitter. Criteria: Natera Variant Classification Schema (03/2026). Collection method: clinical testing. Allele origin: germline.
Comment: The c.460C>T variant in GLE1 is a nonsense variant predicted to introduce a stop codon at amino acid 154. This variant is expected to result in nonsense mediated decay, truncation, or a dysfunctional protein product. This variant is rare in the general population with a frequency below the threshold expected for the associated phenotype(s). Given the available evidence, this variant is classified as Likely Pathogenic.